The following is an entry in ClinVar:

ClinVar aggregate classification (germline): Uncertain significance (1 of 4 stars; one submission).

Allele frequency attached by ClinVar (database versions not stated): gnomAD exomes below 0.00001.
gnomAD v4.1: 1 of 1,605,886 alleles (0.000062%); highest among the groups gnomAD compares: South Asian, 0.0011%; no homozygotes.

Submission:

Labcorp Genetics (formerly Invitae), Labcorp
Classification: Uncertain significance. Last evaluated: 2021-12-19. Review status: criteria provided, single submitter. Criteria: Invitae Variant Classification Sherloc (09022015). Collection method: clinical testing. Allele origin: germline.
Comment: This sequence change replaces proline, which is neutral and non-polar, with alanine, which is neutral and non-polar, at codon 154 of the DMXL2 protein (p.Pro154Ala). This variant is not present in population databases (gnomAD no frequency). This variant has not been reported in the literature in individuals affected with DMXL2-related conditions. Algorithms developed to predict the effect of missense changes on protein structure and function (SIFT, PolyPhen-2, Align-GVGD) all suggest that this variant is likely to be tolerated. In summary, the available evidence is currently insufficient to determine the role of this variant in disease. Therefore, it has been classified as a Variant of Uncertain Significance.

NM_001378457.1(DMXL2):c.460C>G (p.Pro154Ala)

Gene: DMXL2 (Dmx like 2; minus strand). Cytogenetic location: 15q21.2.
Variant type: single nucleotide variant.
Coding change: c.460C>G on transcript NM_001378457.1 (MANE Select); coding-DNA position 460, C replaced by G.
Protein change: p.Pro154Ala; replaces proline 154 with alanine.
Molecular consequence: missense variant. On other transcripts: non-coding transcript variant (2).
Genome position (GRCh38, 1-based): chr15:51,564,165, G>C on the plus strand (C>G on the coding strand, the complement: DMXL2 is on the minus strand). VCF-style: chr15-51564165-G-C. GRCh37 (hg19) VCF-style: chr15-51856362-G-C.
Other names: c.460C>G, p.Pro154Ala (NM_001174116.3, NM_001174117.3, NM_001378458.1 and 7 more transcripts); short protein forms P154A.
Identifiers: ClinVar variation 1939882 (VCV001939882.2), dbSNP rs2548702625, ClinGen allele CA392756231.
Genomic context (GRCh38, chr15:51,564,165, plus strand): 5'-CAATAGAAATAGACACTAACTTGCACTGCCAGACACACTTCCAATCATTTAAAACAGGAG[G>C]AACTGTATTATCAATTTCTTCCTCCTCTTCCAGAATATCATCTCCTGGAGGAGCCCACAA-3'
Protein context (NP_001365386.1, residues 144-164): EEEEEIDNTV[Pro154Ala]PVLNDWKCVW